The following is an entry in ClinVar:

NM_138694.4(PKHD1):c.2141-4C>G

Gene: PKHD1 (PKHD1 ciliary IPT domain containing fibrocystin/polyductin; minus strand). Cytogenetic location: 6p12.2.
Variant type: single nucleotide variant.
Coding change: c.2141-4C>G on transcript NM_138694.4 (MANE Select); 4 bases into the intron before coding-DNA position 2141, C replaced by G.
Molecular consequence: intron variant.
Genome position (GRCh38, 1-based): chr6:52,050,299, G>C on the plus strand (C>G on the coding strand, the complement: PKHD1 is on the minus strand). VCF-style: chr6-52050299-G-C. GRCh37 (hg19) VCF-style: chr6-51915097-G-C.
Other names: c.2141-4C>G (NM_170724.3).
Identifiers: ClinVar variation 504243 (VCV000504243.6), dbSNP rs1042054004, ClinGen allele CA138967898.

ClinVar aggregate classification (germline): Conflicting classifications of pathogenicity. Review status: criteria provided, conflicting classifications (1 of 4 stars). 3 submissions from 3 submitters: Uncertain significance (1); Likely benign (1). 1 of the submissions does not count toward it. Last evaluated 2024-03-08.

Conditions:
Autosomal recessive polycystic kidney disease (ARPKD). Also called: AR polycystic kidney disease. Identifiers: Orphanet 731, Orphanet 8378, MedGen C0085548, MeSH D017044, MONDO:0009889.

Allele frequency attached by ClinVar (database versions not stated): gnomAD 0.00001; gnomAD exomes 0.00001; TOPMed 0.00001.
gnomAD v4.1: 15 of 1,613,952 alleles (0.00093%); highest among the groups gnomAD compares: Middle Eastern, 0.016%; no homozygotes.

Submissions (3):

Labcorp Genetics (formerly Invitae), Labcorp
Classification: Likely benign for Autosomal recessive polycystic kidney disease. Last evaluated: 2024-03-08. Review status: criteria provided, single submitter. Criteria: Invitae Variant Classification Sherloc (09022015). Collection method: clinical testing. Allele origin: germline.

GeneDx
Classification: Uncertain significance. Last evaluated: 2018-02-14. Review status: criteria provided, single submitter. Criteria: GeneDx Variant Classification (06012015). Collection method: clinical testing. Allele origin: germline. Affected: yes.
Comment: The c.2141-4C>G variant in the PKHD1 gene has not been reported previously as a pathogenic variant nor as a benign variant, to our knowledge. Although this variant may reduce the quality of the splice acceptor site, splice prediction algorithms are inconclusive about the effect of this deletion on splicing. The c.2141-4C>G variant is not observed at a significant frequency in large population cohorts (Lek et al., 2016). We interpret c.2141-4C>G as a variant of uncertain significance.

Natera, Inc.
Classification: Uncertain significance for Autosomal recessive polycystic kidney disease. Last evaluated: 2020-09-16. Review status: no assertion criteria provided. Collection method: clinical testing. Allele origin: germline. Not counted in ClinVar's aggregate classification.